The following is an entry in ClinVar:

ClinVar aggregate classification (germline): Pathogenic (1 of 4 stars; one submission).

Submission:

Labcorp Genetics (formerly Invitae), Labcorp
Classification: Pathogenic. Last evaluated: 2024-02-14. Review status: criteria provided, single submitter. Criteria: Invitae Variant Classification Sherloc (09022015). Collection method: clinical testing. Allele origin: germline.
Comment: This sequence change creates a premature translational stop signal (p.Asp225Argfs*4) in the SLC16A1 gene. It is expected to result in an absent or disrupted protein product. Loss-of-function variants in SLC16A1 are known to be pathogenic (PMID: 25390740). This variant is not present in population databases (gnomAD no frequency). This variant has not been reported in the literature in individuals affected with SLC16A1-related conditions. For these reasons, this variant has been classified as Pathogenic.

Literature cited by the submitters: PubMed 25390740.

NM_003051.4(SLC16A1):c.672dup (p.Asp225fs)

Gene: SLC16A1 (solute carrier family 16 member 1; minus strand). Cytogenetic location: 1p13.2.
Variant type: Duplication.
Coding change: c.672dup on transcript NM_003051.4 (MANE Select); coding-DNA position 672, one base duplicated (A; older notation c.672dupA).
Protein change: p.Asp225fs; shifts the reading frame from aspartic acid 225.
Molecular consequence: frameshift variant.
Genome position (GRCh38, 1-based): chr1:112,917,734, T duplicated on the plus strand (A on the coding strand, the reverse complement: SLC16A1 is on the minus strand); the first of 6 consecutive T bases (chr1:112,917,734-112,917,739); duplicating any one gives the same sequence. VCF-style (leftmost placement, unchanged base first): chr1-112917733-C-CT. GRCh37 (hg19) VCF-style: chr1-113460355-C-CT.
Other names: c.672dup, p.Asp225fs (NM_001166496.2); short protein forms D225fs.
Identifiers: ClinVar variation 2717650 (VCV002717650.3), dbSNP rs778610421, ClinGen allele CA2697554466.
Genomic context (GRCh38, chr1:112,917,733, plus strand): 5'-CTGATCGTTTCTCTTGTTTAGGGTGTCTTCCAATAAGATCTGTATTTGCATCATGCAGAT[C>CT]TTTTTTCACACCAGATTTTCCAGCTTTCTCAAGGGATGCTTTAGACTTATCTTTCCCTGC-3'